The following is an entry in ClinVar:

NM_002519.3(NPAT):c.3211G>A (p.Ala1071Thr)

Gene: NPAT (nuclear protein, coactivator of histone transcription; minus strand). Cytogenetic location: 11q22.3.
Variant type: single nucleotide variant.
Coding change: c.3211G>A on transcript NM_002519.3 (MANE Select); coding-DNA position 3211, G replaced by A.
Protein change: p.Ala1071Thr; replaces alanine 1071 with threonine.
Molecular consequence: missense variant.
Genome position (GRCh38, 1-based): chr11:108,161,875, C>T on the plus strand (G>A on the coding strand, the complement: NPAT is on the minus strand). VCF-style: chr11-108161875-C-T. GRCh37 (hg19) VCF-style: chr11-108032602-C-T.
Other names: c.3232G>A, p.Ala1078Thr (NM_001321307.1); short protein forms A1078T, A1071T.
Identifiers: ClinVar variation 2624973 (VCV002624973.2), dbSNP rs2496696943, ClinGen allele CA382511302.
Genomic context (GRCh38, chr11:108,161,875, plus strand): 5'-TCCTTTCTTTGTTTTGGGACACCATCTTATGGTTTGGCCCCTGCGTATTTGCCACAGGAG[C>T]AGTAGTGCTGTCGAAACAGAGTACACGTCTGTGGCATGGTTTAGCAGCTGGAACTATACT-3'
Protein context (NP_002510.2, residues 1061-1081): RRVLCFDSTT[Ala1071Thr]PVANTQGPNH

ClinVar aggregate classification (germline): Uncertain significance (1 of 4 stars; one submission).

Submission:

Ambry Genetics
Classification: Uncertain significance. Last evaluated: 2023-07-26. Review status: criteria provided, single submitter. Criteria: Ambry Variant Classification Scheme 2023. Collection method: clinical testing. Allele origin: germline.
Comment: The p.A1071T variant (also known as c.3211G>A), located in coding exon 17 of the NPAT gene, results from a G to A substitution at nucleotide position 3211. The alanine at codon 1071 is replaced by threonine, an amino acid with similar properties. This amino acid position is conserved. In addition, this alteration is predicted to be tolerated by in silico analysis. Since supporting evidence is limited at this time, the clinical significance of this alteration remains unclear.